The following is an entry in ClinVar:

NM_001267550.2(TTN):c.95879A>G (p.His31960Arg)

Genes: TTN (titin; minus strand), TTN-AS1 (TTN antisense RNA 1; plus strand). Cytogenetic location: 2q31.2.
Variant type: single nucleotide variant.
Coding change: c.95879A>G on transcript NM_001267550.2 (MANE Select); coding-DNA position 95879, A replaced by G.
Protein change: p.His31960Arg; replaces histidine 31960 with arginine.
Molecular consequence: missense variant.
Genome position (GRCh38, 1-based): chr2:178,544,350, T>C on the plus strand (A>G on the coding strand, the complement: TTN is on the minus strand). VCF-style: chr2-178544350-T-C. GRCh37 (hg19) VCF-style: chr2-179409077-T-C.
Other names: c.90956A>G, p.His30319Arg (NM_001256850.1); c.68684A>G, p.His22895Arg (NM_003319.4); c.88175A>G, p.His29392Arg (NM_133378.4); c.69059A>G, p.His23020Arg (NM_133432.3); c.69260A>G, p.His23087Arg (NM_133437.4); short protein forms H22895R, H23020R, H23087R, H29392R, H30319R, H31960R.
Identifiers: ClinVar variation 3378310 (VCV003378310.1).

ClinVar aggregate classification (germline): Uncertain significance (1 of 4 stars; one submission).

gnomAD v4.1: 3 of 1,613,832 alleles (0.00019%); highest among the groups gnomAD compares: Non-Finnish European, 0.00017%; no homozygotes.

Submission:

GeneDx
Classification: Uncertain significance. Last evaluated: 2024-05-13. Review status: criteria provided, single submitter. Criteria: GeneDx Variant Classification Process June 2021. Collection method: clinical testing. Allele origin: germline. Affected: yes.
Comment: Not observed at significant frequency in large population cohorts (gnomAD); Has not been previously published as pathogenic or benign to our knowledge; In silico analysis suggests this variant may impact gene splicing. In the absence of RNA/functional studies, the actual effect of this sequence change is unknown.